The following is an entry in ClinVar:

ClinVar aggregate classification (germline): Uncertain significance. Review status: criteria provided, multiple submitters, no conflicts (2 of 4 stars). 2 submissions from 2 submitters: Uncertain significance (2). Last evaluated 2025-02-13.

Conditions:
Inborn genetic diseases. Identifiers: MedGen C0950123, MeSH D030342.
Vici syndrome (VICIS). Identifiers: Orphanet 1493, MedGen C1855772, MONDO:0009452, OMIM 242840.

Allele frequency attached by ClinVar (database versions not stated): ExAC 0.00001; gnomAD 0.00002; TOPMed 0.00003.
gnomAD v4.1: 4 of 1,614,098 alleles (0.00025%); highest among the groups gnomAD compares: African/African-American, 0.0053%; no homozygotes.

Submissions (2):

Ambry Genetics
Classification: Uncertain significance for Inborn genetic diseases. Last evaluated: 2025-02-13. Review status: criteria provided, single submitter. Criteria: Ambry Variant Classification Scheme 2023. Collection method: clinical testing. Allele origin: germline.

Labcorp Genetics (formerly Invitae), Labcorp
Classification: Uncertain significance for Vici syndrome. Last evaluated: 2023-08-17. Review status: criteria provided, single submitter. Criteria: Invitae Variant Classification Sherloc (09022015). Collection method: clinical testing. Allele origin: germline.
Comment: This variant is present in population databases (rs758014247, gnomAD 0.007%). In summary, the available evidence is currently insufficient to determine the role of this variant in disease. Therefore, it has been classified as a Variant of Uncertain Significance. Advanced modeling of protein sequence and biophysical properties (such as structural, functional, and spatial information, amino acid conservation, physicochemical variation, residue mobility, and thermodynamic stability) performed at Invitae indicates that this missense variant is not expected to disrupt EPG5 protein function. This variant has not been reported in the literature in individuals affected with EPG5-related conditions. This sequence change replaces glutamic acid, which is acidic and polar, with glutamine, which is neutral and polar, at codon 1805 of the EPG5 protein (p.Glu1805Gln).

NM_020964.3(EPG5):c.5413G>C (p.Glu1805Gln)

Gene: EPG5 (ectopic P-granules 5 autophagy tethering factor; minus strand). Cytogenetic location: 18q12.3.
Variant type: single nucleotide variant.
Coding change: c.5413G>C on transcript NM_020964.3 (MANE Select); coding-DNA position 5413, G replaced by C.
Protein change: p.Glu1805Gln; replaces glutamic acid 1805 with glutamine.
Molecular consequence: missense variant.
Genome position (GRCh38, 1-based): chr18:45,882,379, C>G on the plus strand (G>C on the coding strand, the complement: EPG5 is on the minus strand). VCF-style: chr18-45882379-C-G. GRCh37 (hg19) VCF-style: chr18-43462344-C-G.
Other names: c.5413G>C (NM_020964.2); c.5413G>C, p.Glu1805Gln (NM_001410858.1, NM_001410859.1); short protein forms E1805Q.
Identifiers: ClinVar variation 2980010 (VCV002980010.4), dbSNP rs758014247, ClinGen allele CA8948593.